The following is an entry in ClinVar:

NC_012920.1(MT-ND5):m.13810G>A

Gene: MT-ND5 (mitochondrially encoded NADH dehydrogenase 5; plus strand).
Variant type: single nucleotide variant.
Genome position: chrM-13810-G-A.
Identifiers: ClinVar variation 693614 (VCV000693614.1), dbSNP rs1603224361, ClinGen allele CA414819617.

ClinVar aggregate classification (germline): Benign (1 of 4 stars; one submission).

Conditions:
Leigh syndrome (NULS). Also called: Leigh's necrotizing encephalopathy; Leigh's disease; Leigh's syndrome; LEIGH SYNDROME, NUCLEAR; Leigh Syndrome (mtDNA deletion); Leigh Disease. Identifiers: Orphanet 506, MedGen C2931891, MONDO:0009723, OMIM 256000.

Submission:

Wong Mito Lab, Molecular and Human Genetics, Baylor College of Medicine
Classification: Benign for Leigh syndrome. Last evaluated: 2019-10-17. Review status: criteria provided, single submitter. Criteria: Modified ACMG Guidelines (Unpublished). Collection method: clinical testing. Allele origin: germline.
Comment: The NC_012920.1:m.13810G>A (YP_003024036.1:p.Ala492Thr) variant in MTND5 gene is interpretated to be a Benign variant based on the modified ACMG guidelines (unpublished). This variant meets the following evidence codes: BS1, BS2, BP4